The following is an entry in ClinVar:

ClinVar aggregate classification (germline): Uncertain significance (1 of 4 stars; one submission).

Conditions:
Dilated cardiomyopathy 1W (CMD1W). Identifiers: Orphanet 154, MedGen C1969639, MONDO:0012667, OMIM 611407.

gnomAD v4.1: 2 of 1,612,208 alleles (0.00012%); highest among the groups gnomAD compares: African/African-American, 0.0013%; no homozygotes.

Submission:

Labcorp Genetics (formerly Invitae), Labcorp
Classification: Uncertain significance for Dilated cardiomyopathy 1W. Last evaluated: 2023-02-21. Review status: criteria provided, single submitter. Criteria: Invitae Variant Classification Sherloc (09022015). Collection method: clinical testing. Allele origin: germline.
Comment: This sequence change falls in intron 14 of the VCL gene. It does not directly change the encoded amino acid sequence of the VCL protein. It affects a nucleotide within the consensus splice site. This variant is present in population databases (no rsID available, gnomAD 0.004%). This variant has not been reported in the literature in individuals affected with VCL-related conditions. Variants that disrupt the consensus splice site are a relatively common cause of aberrant splicing (PMID: 17576681, 9536098). Algorithms developed to predict the effect of sequence changes on RNA splicing suggest that this variant is not likely to affect RNA splicing. In summary, the available evidence is currently insufficient to determine the role of this variant in disease. Therefore, it has been classified as a Variant of Uncertain Significance.

Literature cited by the submitters: PubMed 17576681; PubMed 9536098.

NM_014000.3(VCL):c.2022+5G>A

Gene: VCL (vinculin; plus strand). Cytogenetic location: 10q22.2.
Variant type: single nucleotide variant.
Coding change: c.2022+5G>A on transcript NM_014000.3 (MANE Select); 5 bases into the intron after coding-DNA position 2022, G replaced by A.
Molecular consequence: intron variant.
Genome position (GRCh38, 1-based): chr10:74,101,102, G>A. VCF-style: chr10-74101102-G-A. GRCh37 (hg19) VCF-style: chr10-75860860-G-A.
Other names: c.2022+5G>A (NM_003373.4).
Identifiers: ClinVar variation 2839467 (VCV002839467.3), dbSNP rs1050797785, ClinGen allele CA594387026.